The following is an entry in ClinVar:

ClinVar aggregate classification (germline): Likely pathogenic. Review status: criteria provided, multiple submitters, no conflicts (2 of 4 stars). 2 submissions from 2 submitters: Likely pathogenic (2). Last evaluated 2025-03-27.

Conditions:
Ataxia-telangiectasia syndrome (AT). Also called: Ataxia-telangiectasia, complementation group D; AT, COMPLEMENTATION GROUP C; ATAXIA-TELANGIECTASIA, COMPLEMENTATION GROUP A; ATAXIA-TELANGIECTASIA, FRESNO VARIANT; Ataxia-telangiectasia; LOUIS-BAR SYNDROME. Identifiers: Orphanet 100, MedGen C0004135, MONDO:0008840, OMIM 208900.

Submissions (2):

Natera, Inc.
Classification: Likely pathogenic for Ataxia-telangiectasia. Last evaluated: 2025-03-27. Review status: criteria provided, single submitter. Criteria: Natera Variant Classification Schema (03/2026). Collection method: clinical testing. Allele origin: germline.
Comment: The c.8189A>C variant in ATM is a missense variant predicted to cause substitution of glutamine to proline at amino acid 2730. This variant is rare in the general population with a frequency below the threshold expected for the associated phenotype(s). This variant has been observed in one or more individuals affected with the associated recessive disease, as either homozygous or compound heterozygous with a second variant (PMID: 16189143). Functional studies show that this variant may disrupt protein function (PMID: 22869595). Computational prediction algorithms indicate this variant is likely to affect gene or protein function. Given the available evidence, this variant is classified as Likely Pathogenic.

Labcorp Genetics (formerly Invitae), Labcorp
Classification: Likely pathogenic for Ataxia-telangiectasia syndrome. Last evaluated: 2018-09-13. Review status: criteria provided, single submitter. Criteria: Invitae Variant Classification Sherloc (09022015). Collection method: clinical testing. Allele origin: germline.
Comment: This variant has been observed on the opposite chromosome (in trans) from a pathogenic variant in an individual affected with ataxia-telangiectasia (PMID: 16189143). This finding is consistent with autosomal recessive inheritance, and suggests that this variant contributes to disease. In summary, the currently available evidence indicates that the variant is pathogenic, but additional data are needed to prove that conclusively. Therefore, this variant has been classified as Likely Pathogenic. Experimental studies have shown that this missense change results in impaired kinase activity of the ATM protein, and causes early embryonic lethality in mice (PMID: 19431188, 16189143, 22869595). This variant is not present in population databases (ExAC no frequency). This sequence change replaces glutamine with proline at codon 2730 of the ATM protein (p.Gln2730Pro). The glutamine residue is highly conserved and there is a moderate physicochemical difference between glutamine and proline.

Literature cited by the submitters: PubMed 16189143 (cited by Natera, Inc. and Labcorp Genetics (formerly Invitae), Labcorp); PubMed 22869595 (cited by Natera, Inc. and Labcorp Genetics (formerly Invitae), Labcorp); PubMed 19431188 (cited by Labcorp Genetics (formerly Invitae), Labcorp).

NM_000051.4(ATM):c.8189A>C (p.Gln2730Pro)

Genes: ATM (ATM serine/threonine kinase; plus strand), C11orf65 (chromosome 11 open reading frame 65; minus strand). Cytogenetic location: 11q22.3.
Variant type: single nucleotide variant.
Coding change: c.8189A>C on transcript NM_000051.4 (MANE Select); coding-DNA position 8189, A replaced by C.
Protein change: p.Gln2730Pro; replaces glutamine 2730 with proline.
Molecular consequence: missense variant. On other transcripts: intron variant (2).
Genome position (GRCh38, 1-based): chr11:108,335,882, A>C. VCF-style: chr11-108335882-A-C. GRCh37 (hg19) VCF-style: chr11-108206609-A-C.
Other names: c.8189A>C, p.Gln2730Pro (NM_001351834.2); c.641-26811T>G (NM_001330368.2); c.695-590T>G (NM_001351110.2); short protein forms Q2730P.
Identifiers: ClinVar variation 646274 (VCV000646274.9), dbSNP rs762154857, ClinGen allele CA382562533.
Genomic context (GRCh38, chr11:108,335,882, plus strand): 5'-ATTCATGCTTAATTATTCTGAAGGGCCGTGATGACCTGAGACAAGATGCTGTCATGCAAC[A>C]GGTCTTCCAGATGTGTAATACATTACTGCAGAGAAACACGGAAACTAGGAAGAGGAAATT-3'
Protein context (NP_000042.3, residues 2720-2740): DDLRQDAVMQ[Gln2730Pro]VFQMCNTLLQ